The following is an entry in ClinVar:

NM_004655.4(AXIN2):c.2142-5C>A

Gene: AXIN2 (axin 2; minus strand). Cytogenetic location: 17q24.1.
Variant type: single nucleotide variant.
Coding change: c.2142-5C>A on transcript NM_004655.4 (MANE Select); 5 bases into the intron before coding-DNA position 2142, C replaced by A.
Molecular consequence: intron variant.
Genome position (GRCh38, 1-based): chr17:65,535,726, G>T on the plus strand (C>A on the coding strand, the complement: AXIN2 is on the minus strand). VCF-style: chr17-65535726-G-T. GRCh37 (hg19) VCF-style: chr17-63531844-G-T.
Other names: c.1947-5C>A (NM_001363813.1).
Identifiers: ClinVar variation 4722830 (VCV004722830.1).

ClinVar aggregate classification (germline): Uncertain significance (1 of 4 stars; one submission).

Conditions:
Oligodontia-cancer predisposition syndrome. Also called: TOOTH AGENESIS-COLORECTAL CANCER SYNDROME. Identifiers: Orphanet 300576, MedGen C1837750, MONDO:0012075, OMIM 608615. Disease mechanism: loss of function.

Submission:

Labcorp Genetics (formerly Invitae), Labcorp
Classification: Uncertain significance for Oligodontia-cancer predisposition syndrome. Last evaluated: 2025-07-09. Review status: criteria provided, single submitter. Criteria: Invitae Variant Classification Sherloc (09022015). Collection method: clinical testing. Allele origin: germline.
Comment: This sequence change falls in intron 8 of the AXIN2 gene. It does not directly change the encoded amino acid sequence of the AXIN2 protein. This variant is not present in population databases (gnomAD no frequency). This variant has not been reported in the literature in individuals affected with AXIN2-related conditions. Algorithms developed to predict the effect of sequence changes on RNA splicing suggest that this variant may disrupt the consensus splice site. In summary, the available evidence is currently insufficient to determine the role of this variant in disease. Therefore, it has been classified as a Variant of Uncertain Significance.